The following is an entry in ClinVar:

NM_000465.4(BARD1):c.885T>A (p.Asn295Lys)

Gene: BARD1 (BRCA1 associated RING domain 1; minus strand). Cytogenetic location: 2q35.
Variant type: single nucleotide variant.
Coding change: c.885T>A on transcript NM_000465.4 (MANE Select); coding-DNA position 885, T replaced by A.
Protein change: p.Asn295Lys; replaces asparagine 295 with lysine.
Molecular consequence: missense variant. On other transcripts: non-coding transcript variant (2), intron variant (3).
Genome position (GRCh38, 1-based): chr2:214,780,989, A>T on the plus strand (T>A on the coding strand, the complement: BARD1 is on the minus strand). VCF-style: chr2-214780989-A-T. GRCh37 (hg19) VCF-style: chr2-215645713-A-T.
Other names: c.828T>A, p.Asn276Lys (NM_001282543.2); c.158+28423T>A (NM_001282548.2); c.215+16072T>A (NM_001282545.2); c.364+11308T>A (NM_001282549.2); short protein forms N276K, N295K.
Identifiers: ClinVar variation 3820473 (VCV003820473.1).

ClinVar aggregate classification (germline): Uncertain significance (1 of 4 stars; one submission).

Conditions:
Hereditary cancer-predisposing syndrome. Also called: Hereditary neoplastic syndrome; Neoplastic Syndromes, Hereditary; Tumor predisposition; Hereditary Cancer Syndrome. Identifiers: Orphanet 140162, MedGen C0027672, MeSH D009386, MONDO:0015356.

Submission:

Ambry Genetics
Classification: Uncertain significance for Hereditary cancer-predisposing syndrome. Last evaluated: 2025-01-07. Review status: criteria provided, single submitter. Criteria: Ambry Variant Classification Scheme 2023. Collection method: clinical testing. Allele origin: germline.
Comment: The p.N295K variant (also known as c.885T>A), located in coding exon 4 of the BARD1 gene, results from a T to A substitution at nucleotide position 885. The asparagine at codon 295 is replaced by lysine, an amino acid with similar properties. This amino acid position is not well conserved in available vertebrate species. In addition, this alteration is predicted to be tolerated by in silico analysis. Based on the available evidence, the clinical significance of this variant remains unclear.